The following is an entry in ClinVar:

ClinVar aggregate classification (germline): Uncertain significance (1 of 4 stars; one submission).

Conditions:
Lower motor neuron syndrome with late-adult onset (SMAJ). Also called: Spinal muscular atrophy, Jokela type; Late-Onset Spinal Motor Neuronopathy (SMAJ). Identifiers: Orphanet 276435, MedGen C3554398, MONDO:0014025, OMIM 615048.
Frontotemporal dementia and/or amyotrophic lateral sclerosis 2. Also called: FTDALS2. Identifiers: Orphanet 275872, MedGen C4014648, MONDO:0014395, OMIM 615911.
Autosomal dominant mitochondrial myopathy with exercise intolerance (IMMD). Also called: Myopathy, isolated mitochondrial, autosomal dominant. Identifiers: Orphanet 457050, MedGen C4015513, MONDO:0014532, OMIM 616209.

Submission:

Labcorp Genetics (formerly Invitae), Labcorp
Classification: Uncertain significance for Lower motor neuron syndrome with late-adult onset; Frontotemporal dementia and/or amyotrophic lateral sclerosis 2; Autosomal dominant mitochondrial myopathy with exercise intolerance. Last evaluated: 2021-09-05. Review status: criteria provided, single submitter. Criteria: Invitae Variant Classification Sherloc (09022015). Collection method: clinical testing. Allele origin: germline.
Comment: In summary, the available evidence is currently insufficient to determine the role of this variant in disease. Therefore, it has been classified as a Variant of Uncertain Significance. Algorithms developed to predict the effect of missense changes on protein structure and function are either unavailable or do not agree on the potential impact of this missense change (SIFT: "Deleterious"; PolyPhen-2: "Possibly Damaging"; Align-GVGD: "Class C15"). This variant has not been reported in the literature in individuals affected with CHCHD10-related conditions. This variant is not present in population databases (ExAC no frequency). This sequence change replaces proline with arginine at codon 96 of the CHCHD10 protein (p.Pro96Arg). The proline residue is highly conserved and there is a moderate physicochemical difference between proline and arginine.

NM_213720.3(CHCHD10):c.287C>G (p.Pro96Arg)

Gene: CHCHD10 (coiled-coil-helix-coiled-coil-helix domain containing 10; minus strand). Cytogenetic location: 22q11.23.
Variant type: single nucleotide variant.
Coding change: c.287C>G on transcript NM_213720.3 (MANE Select); coding-DNA position 287, C replaced by G.
Protein change: p.Pro96Arg; replaces proline 96 with arginine.
Molecular consequence: missense variant. On other transcripts: non-coding transcript variant (2).
Genome position (GRCh38, 1-based): chr22:23,766,250, G>C on the plus strand (C>G on the coding strand, the complement: CHCHD10 is on the minus strand). VCF-style: chr22-23766250-G-C. GRCh37 (hg19) VCF-style: chr22-24108437-G-C.
Other names: c.308C>G, p.Pro103Arg (NM_001301339.2); short protein forms P103R, P96R.
Identifiers: ClinVar variation 1488759 (VCV001488759.6), dbSNP rs1348340557, ClinGen allele CA410915085.